The following is an entry in ClinVar:

ClinVar aggregate classification (germline): Likely benign (1 of 4 stars; one submission).

Conditions:
PLXNA3-related disorder. Also called: PLXNA3-related condition.

Submission:

PreventionGenetics, part of Exact Sciences
Classification: Likely benign for PLXNA3-related condition. Last evaluated: 2025-03-19. Review status: criteria provided, single submitter. Criteria: ACMG Guidelines, 2015. Collection method: clinical testing. Allele origin: germline.
Comment: This variant is classified as likely benign based on ACMG/AMP sequence variant interpretation guidelines (Richards et al. 2015 PMID: 25741868, with internal and published modifications).

NM_017514.5(PLXNA3):c.3441+8C>G

Gene: PLXNA3 (plexin A3; plus strand). Cytogenetic location: Xq28.
Variant type: single nucleotide variant.
Coding change: c.3441+8C>G on transcript NM_017514.5 (MANE Select); 8 bases into the intron after coding-DNA position 3441, C replaced by G.
Molecular consequence: intron variant.
Genome position (GRCh38, 1-based): chrX:154,467,479, C>G. VCF-style: chrX-154467479-C-G. GRCh37 (hg19) VCF-style: chrX-153695822-C-G.
Identifiers: ClinVar variation 4982765 (VCV004982765.1).